The following is an entry in ClinVar:

NM_000051.4(ATM):c.7411A>G (p.Ile2471Val)

Genes: ATM (ATM serine/threonine kinase; plus strand), C11orf65 (chromosome 11 open reading frame 65; minus strand). Cytogenetic location: 11q22.3.
Variant type: single nucleotide variant.
Coding change: c.7411A>G on transcript NM_000051.4 (MANE Select); coding-DNA position 7411, A replaced by G.
Protein change: p.Ile2471Val; replaces isoleucine 2471 with valine.
Molecular consequence: missense variant. On other transcripts: intron variant (2).
Genome position (GRCh38, 1-based): chr11:108,330,317, A>G. VCF-style: chr11-108330317-A-G. GRCh37 (hg19) VCF-style: chr11-108201044-A-G.
Other names: c.7411A>G, p.Ile2471Val (NM_001351834.2); c.641-21246T>C (NM_001330368.2); c.*38+4903T>C (NM_001351110.2); short protein forms I2471V.
Identifiers: ClinVar variation 584495 (VCV000584495.5), dbSNP rs1565529832, ClinGen allele CA382560157.

ClinVar aggregate classification (germline): Uncertain significance. Review status: criteria provided, multiple submitters, no conflicts (2 of 4 stars). 2 submissions from 2 submitters: Uncertain significance (2). Last evaluated 2021-04-08.

Conditions:
Hereditary cancer-predisposing syndrome. Also called: Hereditary Cancer Syndrome; Neoplastic Syndromes, Hereditary; Tumor predisposition; Hereditary neoplastic syndrome. Identifiers: Orphanet 140162, MedGen C0027672, MeSH D009386, MONDO:0015356.

Submissions (2):

Ambry Genetics
Classification: Uncertain significance for Hereditary cancer-predisposing syndrome. Last evaluated: 2021-04-08. Review status: criteria provided, single submitter. Criteria: Ambry Variant Classification Scheme 2023. Collection method: clinical testing. Allele origin: germline.
Comment: The p.I2471V variant (also known as c.7411A>G), located in coding exon 49 of the ATM gene, results from an A to G substitution at nucleotide position 7411. The isoleucine at codon 2471 is replaced by valine, an amino acid with highly similar properties. This alteration has been reported in 1/1197 individuals from Greece, Romania, and Turkey undergoing evaluation for inherited cancer predisposition (Tsaousis GN et al. BMC Cancer, 2019 Jun;19:535). This amino acid position is well conserved in available vertebrate species. In addition, this alteration is predicted to be tolerated by in silico analysis. Since supporting evidence is limited at this time, the clinical significance of this alteration remains unclear.

GeneKor MSA
Classification: Uncertain significance for Hereditary cancer-predisposing syndrome. Last evaluated: 2018-08-01. Review status: criteria provided, single submitter. Criteria: ACMG Guidelines, 2015. Collection method: clinical testing. Allele origin: germline.

Literature cited by the submitters: PubMed 31159747 (cited by Ambry Genetics).